The following is an entry in ClinVar:

ClinVar aggregate classification (germline): Conflicting classifications of pathogenicity. Review status: criteria provided, conflicting classifications (1 of 4 stars). 4 submissions from 4 submitters: Uncertain significance (2); Benign (1); Likely benign (1). Last evaluated 2025-12-14.

Conditions:
Marfanoid habitus and intellectual disability. Identifiers: MedGen CN263130.
Intellectual disability, autosomal dominant 14 (CSS2). Also called: COFFIN-SIRIS SYNDROME 2. Identifiers: Orphanet 1465, MedGen C3553247, MONDO:0013819, OMIM 614607.

Allele frequency attached by ClinVar (database versions not stated): gnomAD exomes 0.00004; ExAC 0.00005; ESP Exome Variant Server 0.00008; TOPMed 0.00018; gnomAD 0.00030.

Submissions (4):

Labcorp Genetics (formerly Invitae), Labcorp
Classification: Likely benign. Last evaluated: 2025-12-14. Review status: criteria provided, single submitter. Criteria: Invitae Variant Classification Sherloc (09022015). Collection method: clinical testing. Allele origin: germline.

Daryl Scott Lab, Baylor College of Medicine
Classification: Uncertain significance for Intellectual disability, autosomal dominant 14. Last evaluated: 2022-08-22. Review status: criteria provided, single submitter. Criteria: ACMG Guidelines, 2015. Collection method: clinical testing. Allele origin: unknown. Observed: 1 variant allele, 1 heterozygote.

GeneDx
Classification: Benign. Last evaluated: 2020-02-13. Review status: criteria provided, single submitter. Criteria: GeneDx Variant Classification Process June 2021. Collection method: clinical testing. Allele origin: germline. Affected: yes.
Comment: This variant is associated with the following publications: (PMID: 32277047)

Equipe Genetique des Anomalies du Developpement, Université de Bourgogne
Classification: Uncertain significance for Marfanoid habitus and intellectual disability. Review status: criteria provided, single submitter. Criteria: ACMG Guidelines, 2015. Collection method: research. Allele origin: de novo. Affected: yes.

Literature cited by the submitters: PubMed 36135330 (cited by Daryl Scott Lab, Baylor College of Medicine).

NM_006015.6(ARID1A):c.4702C>T (p.Pro1568Ser)

Gene: ARID1A (AT-rich interaction domain 1A; plus strand). Cytogenetic location: 1p36.11.
Variant type: single nucleotide variant.
Coding change: c.4702C>T on transcript NM_006015.6 (MANE Select); coding-DNA position 4702, C replaced by T.
Protein change: p.Pro1568Ser; replaces proline 1568 with serine.
Molecular consequence: missense variant. On other transcripts: intron variant (1).
Genome position (GRCh38, 1-based): chr1:26,774,929, C>T. VCF-style: chr1-26774929-C-T. GRCh37 (hg19) VCF-style: chr1-27101420-C-T.
Other names: c.4102-51C>T (NM_139135.4); short protein forms P1568S.
Identifiers: ClinVar variation 689719 (VCV000689719.11), dbSNP rs113718290, ClinGen allele CA707504.
Genomic context (GRCh38, chr1:26,774,929, plus strand): 5'-CATGGCACACGCCAGCCCCCATATGGTCCCTCTGCCCCTGTGCCCCCCATGACAAGGCCC[C>T]CTCCATCTAACTACCAGCCCCCACCAAGCATGCAGAATCACATTCCTCAGGTATCCAGCC-3'
Protein context (NP_006006.3, residues 1558-1578): SAPVPPMTRP[Pro1568Ser]PSNYQPPPSM